The following is an entry in ClinVar:

ClinVar aggregate classification (germline): Uncertain significance (1 of 4 stars; one submission).

Conditions:
Neurodevelopmental disorder with or without early-onset generalized epilepsy. Identifiers: MedGen C5436914, MONDO:0030930, OMIM 619157.

Submission:

3billion
Classification: Uncertain significance for Neurodevelopmental disorder with or without early-onset generalized epilepsy. Last evaluated: 2023-11-03. Review status: criteria provided, single submitter. Criteria: ACMG Guidelines, 2015. Collection method: clinical testing. Allele origin: germline. Affected: yes.
Comment: The variant is not observed in the gnomAD v2.1.1 dataset. Predicted Consequence/Location: Missense changes are a common disease-causing mechanism. In silico tool predictions suggest damaging effect of the variant on gene or gene product [REVEL: 0.69 (>=0.6, sensitivity 0.68 and specificity 0.92); 3Cnet: 0.86 (>=0.6, sensitivity 0.72 and precision 0.9)]. Therefore, this variant is classified as VUS according to the recommendation of ACMG/AMP guideline.

NM_001385012.1(NBEA):c.1954T>C (p.Trp652Arg)

Gene: NBEA (neurobeachin; plus strand). Cytogenetic location: 13q13.3.
Variant type: single nucleotide variant.
Coding change: c.1954T>C on transcript NM_001385012.1 (MANE Select); coding-DNA position 1954, T replaced by C.
Protein change: p.Trp652Arg; replaces tryptophan 652 with arginine.
Molecular consequence: missense variant.
Genome position (GRCh38, 1-based): chr13:35,110,930, T>C. VCF-style: chr13-35110930-T-C. GRCh37 (hg19) VCF-style: chr13-35685067-T-C.
Other names: c.1954T>C, p.Trp652Arg (NM_001379245.1, NM_015678.5); short protein forms W652R.
Identifiers: ClinVar variation 3775703 (VCV003775703.1).